The following is an entry in ClinVar:

NM_024301.5(FKRP):c.956T>G (p.Leu319Arg)

Gene: FKRP (fukutin related protein; plus strand). Cytogenetic location: 19q13.32.
Variant type: single nucleotide variant.
Coding change: c.956T>G on transcript NM_024301.5 (MANE Select); coding-DNA position 956, T replaced by G.
Protein change: p.Leu319Arg; replaces leucine 319 with arginine.
Molecular consequence: missense variant.
Genome position (GRCh38, 1-based): chr19:46,756,406, T>G. VCF-style: chr19-46756406-T-G. GRCh37 (hg19) VCF-style: chr19-47259663-T-G.
Other names: c.956T>G, p.Leu319Arg (NM_001039885.3); short protein forms L319R.
Identifiers: ClinVar variation 3895778 (VCV003895778.1).

ClinVar aggregate classification (germline): Uncertain significance (1 of 4 stars; one submission).

Submission:

Women's Health and Genetics/Laboratory Corporation of America, LabCorp
Classification: Uncertain significance. Last evaluated: 2025-03-07. Review status: criteria provided, single submitter. Criteria: LabCorp Variant Classification Summary - May 2015. Collection method: clinical testing. Allele origin: germline.
Comment: Variant summary: FKRP c.956T>G (p.Leu319Arg) results in a non-conservative amino acid change in the encoded protein sequence. Five of five in-silico tools predict a damaging effect of the variant on protein function. The variant was absent in 169280 control chromosomes (gnomAD). The available data on variant occurrences in the general population are insufficient to allow any conclusion about variant significance. c.956T>G has been reported in the literature in an individual affected with Limb-Girdle Muscular Dystrophy, Autosomal Recessive (Guglieri_2008). These data do not allow any conclusion about variant significance. To our knowledge, no experimental evidence demonstrating an impact on protein function has been reported. The following publication has been ascertained in the context of this evaluation (PMID: 17994539). No submitters have cited clinical-significance assessments for this variant to ClinVar. Based on the evidence outlined above, the variant was classified as uncertain significance.

Literature cited by the submitters: PubMed 17994539.